The following is an entry in ClinVar:

NM_006346.4(PIBF1):c.2138_2139del (p.His713fs)

Gene: PIBF1 (progesterone immunomodulatory binding factor 1; plus strand). Cytogenetic location: 13q22.1.
Variant type: Deletion.
Coding change: c.2138_2139del on transcript NM_006346.4 (MANE Select); coding-DNA positions 2138 to 2139, 2 bases deleted (AT; older notation c.2138_2139delAT).
Protein change: p.His713fs; shifts the reading frame from histidine 713.
Molecular consequence: frameshift variant. On other transcripts: non-coding transcript variant (2).
Genome position (GRCh38, 1-based): chr13:72,998,910-72,998,911, AT deleted. VCF-style (leftmost placement, unchanged base first): chr13-72998909-CAT-C. GRCh37 (hg19) VCF-style: chr13-73573047-CAT-C.
Other names: c.2225_2226del, p.His742fs (NM_001349655.2); short protein forms H713fs, H742fs.
Identifiers: ClinVar variation 2631832 (VCV002631832.1), dbSNP rs754179317, ClinGen allele CA7002544.
Genomic context (GRCh38, chr13:72,998,909, plus strand): 5'-GTTAAGATGCATAGTAAACATTCTGAGAACAGCTTACTTCTCACTAAAACAGAACCAAAA[CAT>C]GTGACAGAAAATCAGAAATCAAAGACTTTGAATGTGCCTAAAGAGCATGAAGACAATATA-3'

ClinVar aggregate classification (germline): Uncertain significance (1 of 4 stars; one submission).

Conditions:
PIBF1-related disorder. Also called: PIBF1-related condition.

Allele frequency attached by ClinVar (database versions not stated): gnomAD 0.00001; gnomAD exomes 0.00001; ExAC 0.00003; TOPMed 0.00003.

Submission:

PreventionGenetics, part of Exact Sciences
Classification: Uncertain significance for PIBF1-related condition. Last evaluated: 2022-11-04. Review status: criteria provided, single submitter. Criteria: ACMG Guidelines, 2015. Collection method: clinical testing. Allele origin: germline.
Comment: The PIBF1 c.2138_2139delAT variant is predicted to result in a frameshift and premature protein termination (p.His713Argfs*14). To our knowledge, this variant has not been reported in the literature. This variant is reported in 0.0050% of alleles in individuals of East Asian descent in gnomAD. Loss of function is not a conclusively established mechanism for PIBF1-related disease and only a few protein truncating variants have been reported to date, all located upstream the c.2138_2139del variant (Human Gene Mutation Database). Although we suspect that this variant may be pathogenic, at this time, the clinical significance of this variant is uncertain due to the absence of conclusive functional and genetic evidence.